The following is an entry in ClinVar:

ClinVar aggregate classification (germline): Uncertain significance. Review status: criteria provided, multiple submitters, no conflicts (2 of 4 stars). 2 submissions from 2 submitters: Uncertain significance (2). Last evaluated 2024-11-27.

Submissions (2):

Labcorp Genetics (formerly Invitae), Labcorp
Classification: Uncertain significance. Last evaluated: 2024-11-27. Review status: criteria provided, single submitter. Criteria: Invitae Variant Classification Sherloc (09022015). Collection method: clinical testing. Allele origin: germline.
Comment: This sequence change replaces proline, which is neutral and non-polar, with alanine, which is neutral and non-polar, at codon 346 of the TRAP1 protein (p.Pro346Ala). This variant is present in population databases (rs779231789, gnomAD 0.01%). This variant has not been reported in the literature in individuals affected with TRAP1-related conditions. ClinVar contains an entry for this variant (Variation ID: 2318500). Invitae Evidence Modeling of protein sequence and biophysical properties (such as structural, functional, and spatial information, amino acid conservation, physicochemical variation, residue mobility, and thermodynamic stability) indicates that this missense variant is expected to disrupt TRAP1 protein function with a positive predictive value of 80%. In summary, the available evidence is currently insufficient to determine the role of this variant in disease. Therefore, it has been classified as a Variant of Uncertain Significance.

Ambry Genetics
Classification: Uncertain significance. Last evaluated: 2022-10-12. Review status: criteria provided, single submitter. Criteria: Ambry Variant Classification Scheme 2023. Collection method: clinical testing. Allele origin: germline.

NM_016292.3(TRAP1):c.1036C>G (p.Pro346Ala)

Gene: TRAP1 (TNF receptor associated protein 1; minus strand). Cytogenetic location: 16p13.3.
Variant type: single nucleotide variant.
Coding change: c.1036C>G on transcript NM_016292.3 (MANE Select); coding-DNA position 1036, C replaced by G.
Protein change: p.Pro346Ala; replaces proline 346 with alanine.
Molecular consequence: missense variant.
Genome position (GRCh38, 1-based): chr16:3,674,347, G>C on the plus strand (C>G on the coding strand, the complement: TRAP1 is on the minus strand). VCF-style: chr16-3674347-G-C. GRCh37 (hg19) VCF-style: chr16-3724348-G-C.
Other names: c.877C>G, p.Pro293Ala (NM_001272049.2); short protein forms P346A, P293A.
Identifiers: ClinVar variation 2318500 (VCV002318500.4), dbSNP rs779231789, ClinGen allele CA7868341.
Genomic context (GRCh38, chr16:3,674,347, plus strand): 5'-CAGGGGACAACAGAGTCACCCTGAGGGCCGTGGGACTGCCACAGTGCCTCACCATGTCGG[G>C]CACGTAGAAGATGCTGCGGATGTTGAGCGGTGCGTCCGTCTTATAGTGCAGGGTGTAGCG-3'
Protein context (NP_057376.2, residues 336-356): PLNIRSIFYV[Pro346Ala]DMKPSMFDVS